The following is an entry in ClinVar:

NM_000455.5(STK11):c.1284G>T (p.Ser428=)

Gene: STK11 (serine/threonine kinase 11; plus strand). Cytogenetic location: 19p13.3.
Variant type: single nucleotide variant.
Coding change: c.1284G>T on transcript NM_000455.5 (MANE Select); coding-DNA position 1284, G replaced by T.
Protein change: p.Ser428=; no amino-acid change (serine 428 retained).
Molecular consequence: synonymous variant.
Genome position (GRCh38, 1-based): chr19:1,226,629, G>T. VCF-style: chr19-1226629-G-T. GRCh37 (hg19) VCF-style: chr19-1226628-G-T.
Identifiers: ClinVar variation 818796 (VCV000818796.18), dbSNP rs369097329, ClinGen allele CA504708560.

ClinVar aggregate classification (germline): Benign/Likely benign. Review status: criteria provided, multiple submitters, no conflicts (2 of 4 stars). 6 submissions from 6 submitters: Benign (1); Likely benign (5). Last evaluated 2025-06-03.

Conditions:
Peutz-Jeghers syndrome (PJS). Also called: Peutz-Jeghers polyposis; Periorificial lentiginosis syndrome; POLYPOSIS, HAMARTOMATOUS INTESTINAL; POLYPS-AND-SPOTS SYNDROME. Identifiers: Orphanet 2869, MedGen C0031269, MeSH D010580, MONDO:0008280, OMIM 175200.
Hereditary cancer-predisposing syndrome. Also called: Hereditary Cancer Syndrome; Neoplastic Syndromes, Hereditary; Hereditary neoplastic syndrome; Tumor predisposition. Identifiers: Orphanet 140162, MedGen C0027672, MeSH D009386, MONDO:0015356.

gnomAD v4.1: 1 of 1,542,458 alleles (0.000065%); highest among the groups gnomAD compares: South Asian, 0.0012%; no homozygotes.

Submissions (6):

Labcorp Genetics (formerly Invitae), Labcorp
Classification: Likely benign for Peutz-Jeghers syndrome. Last evaluated: 2025-06-03. Review status: criteria provided, single submitter. Criteria: Invitae Variant Classification Sherloc (09022015). Collection method: clinical testing. Allele origin: germline.

Myriad Genetics, Inc.
Classification: Benign for Peutz-Jeghers syndrome. Last evaluated: 2025-03-31. Review status: criteria provided, single submitter. Criteria: Myriad Autosomal Dominant, Autosomal Recessive and X-Linked Classification Criteria (2023). Collection method: clinical testing. Allele origin: unknown.
Comment: This variant is considered benign. This variant is a silent/synonymous amino acid change and it is not expected to impact splicing.

Center for Genomic Medicine, Rigshospitalet, Copenhagen University Hospital
Classification: Likely benign. Last evaluated: 2025-03-04. Review status: criteria provided, single submitter. Criteria: ACMG Guidelines, 2015. Collection method: clinical testing. Allele origin: germline.

Color Diagnostics, LLC DBA Color Health
Classification: Likely benign for Hereditary cancer-predisposing syndrome. Last evaluated: 2024-06-24. Review status: criteria provided, single submitter. Criteria: ACMG Guidelines, 2015. Collection method: clinical testing. Allele origin: germline.

Women's Health and Genetics/Laboratory Corporation of America, LabCorp
Classification: Likely benign. Last evaluated: 2022-09-16. Review status: criteria provided, single submitter. Criteria: LabCorp Variant Classification Summary - May 2015. Collection method: clinical testing. Allele origin: germline.

Ambry Genetics
Classification: Likely benign for Hereditary cancer-predisposing syndrome. Last evaluated: 2015-11-04. Review status: criteria provided, single submitter. Criteria: Ambry Variant Classification Scheme 2023. Collection method: clinical testing. Allele origin: germline.